The following is an entry in ClinVar:

NM_000548.5(TSC2):c.268C>T (p.Gln90Ter)

Gene: TSC2 (TSC complex subunit 2; plus strand). Cytogenetic location: 16p13.3.
Variant type: single nucleotide variant.
Coding change: c.268C>T on transcript NM_000548.5 (MANE Select); coding-DNA position 268, C replaced by T.
Protein change: p.Gln90Ter; replaces glutamine 90 with a stop codon.
Molecular consequence: nonsense. On other transcripts: intron variant (2).
Genome position (GRCh38, 1-based): chr16:2,053,384, C>T. VCF-style: chr16-2053384-C-T. GRCh37 (hg19) VCF-style: chr16-2103385-C-T.
Other names: c.268C>T, p.Gln90Ter (NM_001077183.3, NM_001114382.3, NM_001363528.2 and 3 more transcripts); c.121C>T, p.Gln41Ter (NM_001318829.2); c.301C>T, p.Gln101Ter (NM_001318832.2); c.226-912C>T (NM_001318827.2); c.-1-2812C>T (NM_001318831.2); short protein forms Q90*, Q41*, Q101*.
Identifiers: ClinVar variation 49738 (VCV000049738.36), dbSNP rs45517099, ClinGen allele CA017893.

ClinVar aggregate classification (germline): Pathogenic. Review status: criteria provided, multiple submitters, no conflicts (2 of 4 stars). 9 submissions from 9 submitters: Pathogenic (7). 2 of the submissions do not count toward it. Last evaluated 2026-05-26.

Conditions:
Hereditary cancer-predisposing syndrome. Also called: Hereditary neoplastic syndrome; Hereditary Cancer Syndrome; Neoplastic Syndromes, Hereditary; Tumor predisposition. Identifiers: Orphanet 140162, MedGen C0027672, MeSH D009386, MONDO:0015356.
Tuberous sclerosis syndrome (TSC). Also called: Tuberous Sclerosis Complex; Tuberous sclerosis. Identifiers: Orphanet 805, MedGen C0041341, MONDO:0001734.
Tuberous sclerosis 2 (TSC2). Identifiers: Orphanet 805, MedGen C1860707, MONDO:0013199, OMIM 613254.

Submissions (9):

Institute of Human Genetics, University of Leipzig Medical Center
Classification: Pathogenic for Tuberous sclerosis 2. Last evaluated: 2026-05-26. Review status: criteria provided, single submitter. Criteria: ACMG Guidelines, 2015. Collection method: clinical testing. Allele origin: unknown. Inheritance: Autosomal dominant inheritance. Affected: yes.
Comment: Criteria applied: PVS1,PS4_MOD,PM2,PP4

Labcorp Genetics (formerly Invitae), Labcorp
Classification: Pathogenic for Tuberous sclerosis 2. Last evaluated: 2025-09-28. Review status: criteria provided, single submitter. Criteria: Invitae Variant Classification Sherloc (09022015). Collection method: clinical testing. Allele origin: germline.
Comment: This sequence change creates a premature translational stop signal (p.Gln90*) in the TSC2 gene. It is expected to result in an absent or disrupted protein product. Loss-of-function variants in TSC2 are known to be pathogenic (PMID: 10205261, 17304050). This variant is not present in population databases (gnomAD no frequency). This premature translational stop signal has been observed in individual(s) with tuberous sclerosis complex (PMID: 10735580, 11112665, 12111193, 16981987, 17536269, 20498439, 20633017). Invitae Evidence Modeling of clinical and family history, age, sex, and reported ancestry of multiple individuals with this TSC2 variant has been performed. This variant is expected to be pathogenic with a positive predictive value of at least 99%. This is a validated machine learning model that incorporates the clinical features of 1,224,362 individuals referred to our laboratory for TSC2 testing. ClinVar contains an entry for this variant (Variation ID: 49738). For these reasons, this variant has been classified as Pathogenic.

GeneDx
Classification: Pathogenic. Last evaluated: 2023-01-20. Review status: criteria provided, single submitter. Criteria: GeneDx Variant Classification Process June 2021. Collection method: clinical testing. Allele origin: germline. Affected: yes.
Comment: Identified in patients with tuberous sclerosis complex referred for genetic testing at GeneDx and in published literature (Choy 1999, Au 2007); Nonsense variant predicted to result in protein truncation or nonsense mediated decay in a gene for which loss of function is a known mechanism of disease; Not observed at significant frequency in large population cohorts (gnomAD); This variant is associated with the following publications: (PMID: 10735580, 25525159, 12111193, 16981987, 11112665, 25782670, 20633017, 17536269, 15798777, 20498439, 17304050, 32211034)

Genome-Nilou Lab
Classification: Pathogenic for Tuberous sclerosis 2. Last evaluated: 2021-11-07. Review status: criteria provided, single submitter. Criteria: ACMG Guidelines, 2015. Collection method: clinical testing. Allele origin: germline. Affected: no.

Ambry Genetics
Classification: Pathogenic for Hereditary cancer-predisposing syndrome. Last evaluated: 2020-10-23. Review status: criteria provided, single submitter. Criteria: Ambry Variant Classification Scheme 2023. Collection method: clinical testing. Allele origin: germline.
Comment: The p.Q90* pathogenic mutation (also known as c.268C>T), located in coding exon 3 of the TSC2 gene, results from a C to T substitution at nucleotide position 268. This changes the amino acid from a glutamine to a stop codon within coding exon 3. This alteration has been reported in multiple unrelated individuals with clinical diagnoses of tuberous sclerosis complex (TSC) (Choy YS et al. Ann Hum Genet. 1999; 63(Pt 5):383-91; Langkau N et al. Eur J Pediatr. 2002; 161(7):393-402; Hung CC et al. BMC Med Genet. 2006; 7:72). In addition to the clinical data presented in the literature, this alteration is expected to result in loss of function by premature protein truncation or nonsense-mediated mRNA decay. As such, this alteration is interpreted as a disease-causing mutation.

Baylor Genetics
Classification: Pathogenic for Tuberous sclerosis 2. Last evaluated: 2020-03-17. Review status: criteria provided, single submitter. Criteria: ACMG Guidelines, 2015. Collection method: clinical testing. Allele origin: de novo. Affected: yes.
Comment: This variant was determined to be pathogenic according to ACMG Guidelines, 2015 [PMID:25741868].

Athena Diagnostics
Classification: Pathogenic. Last evaluated: 2017-07-31. Review status: criteria provided, single submitter. Criteria: Athena Diagnostics Criteria. Collection method: clinical testing. Allele origin: germline.

deCODE genetics, Amgen
Classification: Likely pathogenic for Tuberous sclerosis 2. Last evaluated: 2023-07-21. Review status: no assertion criteria provided. Collection method: research. Allele origin: germline. Affected: yes. Observed: 1 variant allele. Not counted in ClinVar's aggregate classification.
Comment: The variant NM_000548.5:c.268C>T (chr16:2053384) in TSC2 was detected in 1 heterozygote out of 58K WGS Icelanders (MAF= 0,001%). This variant has been reported in ClinVar previously as pathogenic. Based on ACMG criteria (PVS1, PM2) this variant classifies as likely pathogenic.

Tuberous sclerosis database (TSC2)
No classification provided. Condition: TSC. Review status: no classification provided. Criteria: Tuberous Sclerosis Database Assertion Criteria 2015. Collection method: curation. Allele origin: germline. Affected: yes. Not counted in ClinVar's aggregate classification.

Literature cited by the submitters: PubMed 10205261 (cited by Labcorp Genetics (formerly Invitae), Labcorp); PubMed 17304050 (cited by Labcorp Genetics (formerly Invitae), Labcorp and Athena Diagnostics); PubMed 10735580 (cited by 3 submitters); PubMed 11112665 (cited by Labcorp Genetics (formerly Invitae), Labcorp and Athena Diagnostics); PubMed 12111193 (cited by 3 submitters); PubMed 16981987 (cited by 3 submitters); PubMed 17536269 (cited by Labcorp Genetics (formerly Invitae), Labcorp); PubMed 20498439 (cited by Labcorp Genetics (formerly Invitae), Labcorp and Athena Diagnostics); PubMed 20633017 (cited by Labcorp Genetics (formerly Invitae), Labcorp and Athena Diagnostics); PubMed 15798777 (cited by Athena Diagnostics); PubMed 25782670 (cited by Athena Diagnostics).